The following is an entry in ClinVar:

NM_006348.5(COG5):c.1015G>T (p.Glu339Ter)

Gene: COG5 (component of oligomeric golgi complex 5; minus strand). Cytogenetic location: 7q22.3.
Variant type: single nucleotide variant.
Coding change: c.1015G>T on transcript NM_006348.5 (MANE Select); coding-DNA position 1015, G replaced by T.
Protein change: p.Glu339Ter; replaces glutamic acid 339 with a stop codon.
Molecular consequence: nonsense. On other transcripts: intron variant (1).
Genome position (GRCh38, 1-based): chr7:107,362,044, C>A on the plus strand (G>T on the coding strand, the complement: COG5 is on the minus strand). VCF-style: chr7-107362044-C-A. GRCh37 (hg19) VCF-style: chr7-107002489-C-A.
Other names: c.1015G>T, p.Glu339Ter (NM_001161520.2, NM_001379511.1, NM_001379512.1 and 3 more transcripts); c.301G>T, p.Glu101Ter (NM_001379516.1); c.539-63698G>T (NM_001379515.1); short protein forms E101*, E339*.
Identifiers: ClinVar variation 2159643 (VCV002159643.4), dbSNP rs1449966934, ClinGen allele CA368939872.

ClinVar aggregate classification (germline): Pathogenic (1 of 4 stars; one submission).

Conditions:
COG5-congenital disorder of glycosylation. Also called: CDG IIi; CONGENITAL DISORDER OF GLYCOSYLATION, TYPE IIi; COG5-CDG. Identifiers: Orphanet 263487, MedGen C3150876, MONDO:0013325, OMIM 613612.

Allele frequency attached by ClinVar (database versions not stated): gnomAD 0.00001; TOPMed 0.00001.
gnomAD v4.1: 5 of 1,600,736 alleles (0.00031%); highest among the groups gnomAD compares: Admixed American, 0.0017%; no homozygotes.

Submission:

Labcorp Genetics (formerly Invitae), Labcorp
Classification: Pathogenic for COG5-congenital disorder of glycosylation. Last evaluated: 2025-10-11. Review status: criteria provided, single submitter. Criteria: Invitae Variant Classification Sherloc (09022015). Collection method: clinical testing. Allele origin: germline.
Comment: This sequence change creates a premature translational stop signal (p.Glu370*) in the COG5 gene. It is expected to result in an absent or disrupted protein product. Loss-of-function variants in COG5 are known to be pathogenic (PMID: 23228021). The frequency data for this variant in the population databases is considered unreliable, as metrics indicate poor data quality at this position in the gnomAD database. This variant has not been reported in the literature in individuals affected with COG5-related conditions. ClinVar contains an entry for this variant (Variation ID: 2159643). For these reasons, this variant has been classified as Pathogenic.

Literature cited by the submitters: PubMed 23228021.